The following is an entry in ClinVar:

ClinVar aggregate classification (germline): Uncertain significance (1 of 4 stars; one submission).

Conditions:
Aldosterone-producing adenoma with seizures and neurological abnormalities. Also called: Primary aldosteronism, seizures, and neurologic abnormalities. Identifiers: Orphanet 369929, MedGen C3809609, MONDO:0014200, OMIM 615474.
Sinoatrial node dysfunction and deafness (SANDD). Identifiers: Orphanet 324321, MedGen C3554018, MONDO:0013960, OMIM 614896.

Submission:

Juno Genomics, Hangzhou Juno Genomics, Inc
Classification: Uncertain significance for Aldosterone-producing adenoma with seizures and neurological abnormalities; Sinoatrial node dysfunction and deafness. Review status: criteria provided, single submitter. Criteria: ACMG Guidelines, 2015. Collection method: clinical testing. Allele origin: germline.
Comment: Absent from controls (or at extremely low frequency if recessive) in Genome Aggregation Database.;Missense variant in a gene that has a low rate of benign missense variation.;Multiple lines of computational evidence support a deleterious effect on the gene or gene product.

NM_001128840.3(CACNA1D):c.2958A>C (p.Leu986Phe)

Gene: CACNA1D (calcium voltage-gated channel subunit alpha1 D; plus strand). Cytogenetic location: 3p21.1.
Variant type: single nucleotide variant.
Coding change: c.2958A>C on transcript NM_001128840.3 (MANE Select); coding-DNA position 2958, A replaced by C.
Protein change: p.Leu986Phe; replaces leucine 986 with phenylalanine.
Molecular consequence: missense variant.
Genome position (GRCh38, 1-based): chr3:53,744,779, A>C. VCF-style: chr3-53744779-A-C. GRCh37 (hg19) VCF-style: chr3-53778806-A-C.
Other names: c.3018A>C, p.Leu1006Phe (NM_000720.4); c.2958A>C, p.Leu986Phe (NM_001128839.3); short protein forms L986F, L1006F.
Identifiers: ClinVar variation 5006665 (VCV005006665.2).